The following is an entry in ClinVar:

ClinVar aggregate classification (germline): Conflicting classifications of pathogenicity. Review status: criteria provided, conflicting classifications (1 of 4 stars). 3 submissions from 3 submitters: Uncertain significance (2); Likely benign (1). Last evaluated 2023-11-09.

Conditions:
Hereditary cancer-predisposing syndrome. Also called: Hereditary Cancer Syndrome; Neoplastic Syndromes, Hereditary; Tumor predisposition; Hereditary neoplastic syndrome. Identifiers: Orphanet 140162, MedGen C0027672, MeSH D009386, MONDO:0015356.
Hereditary breast ovarian cancer syndrome. Also called: Hereditary breast and ovarian cancer syndrome; Hereditary breast and ovarian cancer; Hereditary breast and ovarian cancer syndrome (HBOC); Breast and ovarian cancer; Hereditary breast and/or ovarian cancer syndrome; BRCA1- and BRCA2-Associated Hereditary Breast and Ovarian Cancer. Identifiers: Orphanet 145, MedGen C0677776, MeSH D061325, MONDO:0003582. Disease mechanism: loss of function.

gnomAD v4.1: 1 of 1,614,008 alleles (0.000062%); highest among the groups gnomAD compares: South Asian, 0.0011%; no homozygotes.

Submissions (3):

Labcorp Genetics (formerly Invitae), Labcorp
Classification: Uncertain significance for Hereditary breast ovarian cancer syndrome. Last evaluated: 2023-11-09. Review status: criteria provided, single submitter. Criteria: Invitae Variant Classification Sherloc (09022015). Collection method: clinical testing. Allele origin: germline.
Comment: This sequence change replaces glycine, which is neutral and non-polar, with serine, which is neutral and polar, at codon 960 of the BRCA1 protein (p.Gly960Ser). This variant is not present in population databases (gnomAD no frequency). This variant has not been reported in the literature in individuals affected with BRCA1-related conditions. ClinVar contains an entry for this variant (Variation ID: 481478). Advanced modeling of protein sequence and biophysical properties (such as structural, functional, and spatial information, amino acid conservation, physicochemical variation, residue mobility, and thermodynamic stability) performed at Invitae indicates that this missense variant is not expected to disrupt BRCA1 protein function with a negative predictive value of 95%. In summary, the available evidence is currently insufficient to determine the role of this variant in disease. Therefore, it has been classified as a Variant of Uncertain Significance.

University of Washington Department of Laboratory Medicine, University of Washington
Classification: Likely benign for Hereditary cancer-predisposing syndrome. Last evaluated: 2023-03-23. Review status: criteria provided, single submitter. Criteria: Dines et al. (Genet Med. 2020). Collection method: curation. Allele origin: germline.
Comment: Missense variant in a coldspot region where missense variants are very unlikely to be pathogenic (PMID:31911673).

BRCA1 coldspot (exon 11 using historical exon numbering). Reclassification based on statistical prior probability

Ambry Genetics
Classification: Uncertain significance for Hereditary cancer-predisposing syndrome. Last evaluated: 2017-03-21. Review status: criteria provided, single submitter. Criteria: Ambry Variant Classification Scheme 2023. Collection method: clinical testing. Allele origin: germline.
Comment: The p.G960S variant (also known as c.2878G>A), located in coding exon 9 of the BRCA1 gene, results from a G to A substitution at nucleotide position 2878. The glycine at codon 960 is replaced by serine, an amino acid with similar properties. This amino acid position is not well conserved in available vertebrate species. In addition, this alteration is predicted to be tolerated by in silico analysis. Since supporting evidence is limited at this time, the clinical significance of this alteration remains unclear.

NM_007294.4(BRCA1):c.2878G>A (p.Gly960Ser)

Gene: BRCA1 (BRCA1 DNA repair associated; minus strand). Cytogenetic location: 17q21.31.
Variant type: single nucleotide variant.
Coding change: c.2878G>A on transcript NM_007294.4 (MANE Select); coding-DNA position 2878, G replaced by A.
Protein change: p.Gly960Ser; replaces glycine 960 with serine.
Molecular consequence: missense variant. On other transcripts: intron variant (137).
Genome position (GRCh38, 1-based): chr17:43,092,653, C>T on the plus strand (G>A on the coding strand, the complement: BRCA1 is on the minus strand). VCF-style: chr17-43092653-C-T. GRCh37 (hg19) VCF-style: chr17-41244670-C-T.
Other names: c.2665G>A, p.Gly889Ser (NM_001407571.1, NM_001407853.1, NM_001407894.1 and 9 more transcripts); c.2878G>A, p.Gly960Ser (NM_001407581.1, NM_001407582.1, NM_001407583.1 and 30 more transcripts); c.2875G>A, p.Gly959Ser (NM_001407587.1, NM_001407590.1, NM_001407591.1 and 22 more transcripts); c.2869G>A, p.Gly957Ser (NM_001407646.1, NM_001407647.1); c.2755G>A, p.Gly919Ser (NM_001407648.1, NM_001407664.1, NM_001407665.1 and 19 more transcripts); c.2752G>A, p.Gly918Ser (NM_001407649.1, NM_001407670.1, NM_001407671.1 and 11 more transcripts); c.2800G>A, p.Gly934Ser (NM_001407653.1, NM_001407654.1, NM_001407655.1 and 4 more transcripts); c.2797G>A, p.Gly933Ser (NM_001407659.1, NM_001407660.1, NM_001407661.1 and 1 more transcripts); and 41 more; short protein forms G960S, G913S, G664S, G792S, G849S, G871S, G893S, G918S.
Identifiers: ClinVar variation 481478 (VCV000481478.11), dbSNP rs1555588796, ClinGen allele CA10596232.